The following is an entry in ClinVar:

ClinVar aggregate classification (germline): Likely benign (0 of 4 stars; one submission).

Conditions:
ABCA2-related disorder. Also called: ABCA2-related condition.

gnomAD v4.1: 40 of 1,601,320 alleles (0.0025%); highest among the groups gnomAD compares: South Asian, 0.033%; no homozygotes.

Submission:

PreventionGenetics, part of Exact Sciences
Classification: Likely benign for ABCA2-related condition. Last evaluated: 2019-08-09. Review status: no assertion criteria provided. Collection method: clinical testing. Allele origin: germline.
Comment: This variant is classified as likely benign based on ACMG/AMP sequence variant interpretation guidelines (Richards et al. 2015 PMID: 25741868, with internal and published modifications).

NM_001606.5(ABCA2):c.6432G>A (p.Thr2144=)

Gene: ABCA2 (ATP binding cassette subfamily A member 2; minus strand). Cytogenetic location: 9q34.3.
Variant type: single nucleotide variant.
Coding change: c.6432G>A on transcript NM_001606.5 (MANE Select); coding-DNA position 6432, G replaced by A.
Protein change: p.Thr2144=; no amino-acid change (threonine 2144 retained).
Molecular consequence: synonymous variant.
Genome position (GRCh38, 1-based): chr9:137,010,046, C>T on the plus strand (G>A on the coding strand, the complement: ABCA2 is on the minus strand). VCF-style: chr9-137010046-C-T. GRCh37 (hg19) VCF-style: chr9-139904498-C-T.
Other names: c.6429G>A, p.Thr2143= (NM_001411042.1); c.6522G>A, p.Thr2174= (NM_212533.3).
Identifiers: ClinVar variation 3358258 (VCV003358258.1).
Genomic context (GRCh38, chr9:137,010,046, plus strand): 5'-GGCCTCGTCCTTCCAGGAGATCCCACGCAGCCGCGTGTACAGCTGCAGGTGCTCCCGGGC[C>T]GTGAGCTCGTCGAACAGCGCGTCACACTGCGGGCAGTAGCCGAGGCTCTGCTGCACCTGG-3'
Protein context (NP_001597.2, residues 2134-2154): PQCDALFDEL[Thr2144=]AREHLQLYTR